The following is an entry in ClinVar:

ClinVar aggregate classification (germline): Likely benign (1 of 4 stars; one submission).

gnomAD v4.1: 3,008 of 1,613,624 alleles (0.19%); highest among the groups gnomAD compares: Non-Finnish European, 0.23%; 8 homozygotes.

Submission:

CeGaT Center for Human Genetics Tuebingen
Classification: Likely benign. Last evaluated: 2025-01-01. Review status: criteria provided, single submitter. Criteria: CeGaT Center For Human Genetics Tuebingen Variant Classification Criteria Version 2. Collection method: clinical testing. Allele origin: germline. Affected: yes. Observed: 1 variant allele.
Comment: IQCE: BP4, BS2

NM_152558.5(IQCE):c.845C>T (p.Thr282Met)

Gene: IQCE (IQ motif containing E; plus strand). Cytogenetic location: 7p22.3.
Variant type: single nucleotide variant.
Coding change: c.845C>T on transcript NM_152558.5 (MANE Select); coding-DNA position 845, C replaced by T.
Protein change: p.Thr282Met; replaces threonine 282 with methionine.
Molecular consequence: missense variant.
Genome position (GRCh38, 1-based): chr7:2,586,228, C>T. VCF-style: chr7-2586228-C-T. GRCh37 (hg19) VCF-style: chr7-2625862-C-T.
Other names: c.845C>T, p.Thr282Met (NM_001287499.2); c.797C>T, p.Thr266Met (NM_001287500.2, NM_001410865.1); c.650C>T, p.Thr217Met (NM_001287501.2, NM_001287502.2); short protein forms T217M, T266M, T282M.
Identifiers: ClinVar variation 3770512 (VCV003770512.13).